The following is an entry in ClinVar:

ClinVar aggregate classification (germline): Conflicting classifications of pathogenicity. Review status: criteria provided, conflicting classifications (1 of 4 stars). 8 submissions from 8 submitters: Uncertain significance (1); Likely benign (5). 2 of the submissions do not count toward it. Last evaluated 2026-04-01.

Conditions:
Kufor-Rakeb syndrome (KRS). Also called: PARKINSON DISEASE 9, AUTOSOMAL RECESSIVE, JUVENILE-ONSET. Identifiers: Orphanet 306674, Orphanet 314632, MedGen C1847640, MONDO:0011706, OMIM 606693.
Autosomal recessive spastic paraplegia type 78. Identifiers: Orphanet 513436, MedGen C5567893, MONDO:0014975, OMIM 617225.
Inborn genetic diseases. Identifiers: MedGen C0950123, MeSH D030342.

Allele frequency attached by ClinVar (database versions not stated): ExAC 0.00026; TOPMed 0.00032; gnomAD 0.00033 and 0.00035; gnomAD exomes 0.00036 and 0.00073; ESP Exome Variant Server 0.00046.
gnomAD v4.1: 1,095 of 1,613,772 alleles (0.068%); highest among the groups gnomAD compares: Non-Finnish European, 0.087%; 1 homozygote.

Submissions (8):

CeGaT Center for Human Genetics Tuebingen
Classification: Likely benign. Last evaluated: 2026-04-01. Review status: criteria provided, single submitter. Criteria: CeGaT Center For Human Genetics Tuebingen Variant Classification Criteria Version 2. Collection method: clinical testing. Allele origin: germline. Affected: yes. Observed: 1 variant allele.
Comment: ATP13A2: BP4, BP7

Labcorp Genetics (formerly Invitae), Labcorp
Classification: Likely benign for Kufor-Rakeb syndrome; Autosomal recessive spastic paraplegia type 78. Last evaluated: 2026-02-01. Review status: criteria provided, single submitter. Criteria: Invitae Variant Classification Sherloc (09022015). Collection method: clinical testing. Allele origin: germline.

Blueprint Genetics
Classification: Likely benign. Last evaluated: 2024-09-03. Review status: criteria provided, single submitter. Criteria: ACMG Guidelines, 2015. Collection method: clinical testing. Allele origin: germline.

GeneDx
Classification: Likely benign. Last evaluated: 2019-05-31. Review status: criteria provided, single submitter. Criteria: GeneDx Variant Classification Process June 2021. Collection method: clinical testing. Allele origin: germline. Affected: yes.

Illumina Laboratory Services, Illumina
Classification: Uncertain significance for Kufor-Rakeb syndrome. Last evaluated: 2018-01-13. Review status: criteria provided, single submitter. Criteria: ICSL Variant Classification Criteria 13 December 2019. Collection method: clinical testing. Allele origin: germline.

Ambry Genetics
Classification: Likely benign for Inborn genetic diseases. Last evaluated: 2016-06-07. Review status: criteria provided, single submitter. Criteria: Ambry Variant Classification Scheme 2023. Collection method: clinical testing. Allele origin: germline.

Clinical Genetics DNA and cytogenetics Diagnostics Lab, Erasmus MC, Erasmus Medical Center
Classification: Likely benign. Review status: no assertion criteria provided. Collection method: clinical testing. Allele origin: germline. Affected: yes. Study: VKGL Data-share Consensus. Not counted in ClinVar's aggregate classification.

Diagnostic Laboratory, Department of Genetics, University Medical Center Groningen
Classification: Likely benign. Review status: no assertion criteria provided. Collection method: clinical testing. Allele origin: germline. Affected: yes. Study: VKGL Data-share Consensus. Not counted in ClinVar's aggregate classification.

NM_022089.4(ATP13A2):c.1203C>T (p.Cys401=)

Gene: ATP13A2 (ATPase cation transporting 13A2; minus strand). Cytogenetic location: 1p36.13.
Variant type: single nucleotide variant.
Coding change: c.1203C>T on transcript NM_022089.4 (MANE Select); coding-DNA position 1203, C replaced by T.
Protein change: p.Cys401=; no amino-acid change (cysteine 401 retained).
Molecular consequence: synonymous variant.
Genome position (GRCh38, 1-based): chr1:16,996,489, G>A on the plus strand (C>T on the coding strand, the complement: ATP13A2 is on the minus strand). VCF-style: chr1-16996489-G-A. GRCh37 (hg19) VCF-style: chr1-17322984-G-A.
Other names: c.1188C>T, p.Cys396= (NM_001141973.3, NM_001141974.3).
Identifiers: ClinVar variation 293796 (VCV000293796.28), dbSNP rs148026506, ClinGen allele CA637315.